The following is an entry in ClinVar:

NM_005732.4(RAD50):c.1633A>T (p.Lys545Ter)

Gene: RAD50 (RAD50 double strand break repair protein; plus strand). Cytogenetic location: 5q31.1.
Variant type: single nucleotide variant.
Coding change: c.1633A>T on transcript NM_005732.4 (MANE Select); coding-DNA position 1633, A replaced by T.
Protein change: p.Lys545Ter; replaces lysine 545 with a stop codon.
Molecular consequence: nonsense.
Genome position (GRCh38, 1-based): chr5:132,591,404, A>T. VCF-style: chr5-132591404-A-T. GRCh37 (hg19) VCF-style: chr5-131927096-A-T.
Other names: short protein forms K545*.
Identifiers: ClinVar variation 484693 (VCV000484693.12), dbSNP rs1253904315, ClinGen allele CA360946206.

ClinVar aggregate classification (germline): Pathogenic. Review status: criteria provided, multiple submitters, no conflicts (2 of 4 stars). 2 submissions from 2 submitters: Pathogenic (2). Last evaluated 2021-10-09.

Conditions:
Hereditary cancer-predisposing syndrome. Also called: Neoplastic Syndromes, Hereditary; Tumor predisposition; Hereditary Cancer Syndrome; Hereditary neoplastic syndrome. Identifiers: Orphanet 140162, MedGen C0027672, MeSH D009386, MONDO:0015356.

Submissions (2):

Labcorp Genetics (formerly Invitae), Labcorp
Classification: Pathogenic for Hereditary cancer-predisposing syndrome. Last evaluated: 2021-10-09. Review status: criteria provided, single submitter. Criteria: Invitae Variant Classification Sherloc (09022015). Collection method: clinical testing. Allele origin: germline.
Comment: This variant has not been reported in the literature in individuals with RAD50-related conditions. ClinVar contains an entry for this variant (Variation ID: 484693). For these reasons, this variant has been classified as Pathogenic. Loss-of-function variants in RAD50 are known to be pathogenic (PMID: 16385572, 19409520). This variant is not present in population databases (ExAC no frequency). This sequence change creates a premature translational stop signal (p.Lys545*) in the RAD50 gene. It is expected to result in an absent or disrupted protein product.

Ambry Genetics
Classification: Pathogenic for Hereditary cancer-predisposing syndrome. Last evaluated: 2016-12-28. Review status: criteria provided, single submitter. Criteria: Ambry Variant Classification Scheme 2023. Collection method: clinical testing. Allele origin: germline.
Comment: The p.K545* pathogenic mutation (also known as c.1633A>T), located in coding exon 10 of the RAD50 gene, results from an A to T substitution at nucleotide position 1633. This changes the amino acid from a lysine to a stop codon within coding exon 10. This alteration is expected to result in loss of function by premature protein truncation or nonsense-mediated mRNA decay. As such, this alteration is interpreted as a disease-causing mutation.

Literature cited by the submitters: PubMed 16385572 (cited by Labcorp Genetics (formerly Invitae), Labcorp); PubMed 19409520 (cited by Labcorp Genetics (formerly Invitae), Labcorp).